The following is an entry in ClinVar:

NM_006329.4(FBLN5):c.739+6G>A

Gene: FBLN5 (fibulin 5; minus strand). Cytogenetic location: 14q32.12.
Variant type: single nucleotide variant.
Coding change: c.739+6G>A on transcript NM_006329.4 (MANE Select); 6 bases into the intron after coding-DNA position 739, G replaced by A.
Molecular consequence: intron variant.
Genome position (GRCh38, 1-based): chr14:91,887,187, C>T on the plus strand (G>A on the coding strand, the complement: FBLN5 is on the minus strand). VCF-style: chr14-91887187-C-T. GRCh37 (hg19) VCF-style: chr14-92353531-C-T.
Other names: c.739+6G>A (NM_001384160.1); c.862+6G>A (NM_001384158.1); c.571+6G>A (NM_001384162.1, NM_001384161.1); c.790+6G>A (NM_001384159.1).
Identifiers: ClinVar variation 2080647 (VCV002080647.4), dbSNP rs750115548, ClinGen allele CA7312753.

ClinVar aggregate classification (germline): Uncertain significance (1 of 4 stars; one submission).

Allele frequency attached by ClinVar (database versions not stated): ExAC 0.00001; gnomAD exomes 0.00001.
gnomAD v4.1: 6 of 1,613,914 alleles (0.00037%); highest among the groups gnomAD compares: Non-Finnish European, 0.00051%; no homozygotes.

Submission:

Labcorp Genetics (formerly Invitae), Labcorp
Classification: Uncertain significance. Last evaluated: 2025-07-28. Review status: criteria provided, single submitter. Criteria: Invitae Variant Classification Sherloc (09022015). Collection method: clinical testing. Allele origin: germline.
Comment: This sequence change falls in intron 7 of the FBLN5 gene. It does not directly change the encoded amino acid sequence of the FBLN5 protein. It affects a nucleotide within the consensus splice site. This variant is present in population databases (rs750115548, gnomAD 0.0009%). This variant has not been reported in the literature in individuals affected with FBLN5-related conditions. ClinVar contains an entry for this variant (Variation ID: 2080647). Variants that disrupt the consensus splice site are a relatively common cause of aberrant splicing (PMID: 17576681, 9536098). Algorithms developed to predict the effect of sequence changes on RNA splicing suggest that this variant is not likely to affect RNA splicing. In summary, the available evidence is currently insufficient to determine the role of this variant in disease. Therefore, it has been classified as a Variant of Uncertain Significance.

Literature cited by the submitters: PubMed 17576681; PubMed 9536098.